The following is an entry in ClinVar:

ClinVar aggregate classification (germline): Uncertain significance (1 of 4 stars; one submission).

Conditions:
Inborn genetic diseases. Identifiers: MedGen C0950123, MeSH D030342.

Submission:

Ambry Genetics
Classification: Uncertain significance for Inborn genetic diseases. Last evaluated: 2024-11-27. Review status: criteria provided, single submitter. Criteria: Ambry Variant Classification Scheme 2023. Collection method: clinical testing. Allele origin: germline.
Comment: The p.P905H variant (also known as c.2714C>A), located in coding exon 11 of the MECOM gene, results from a C to A substitution at nucleotide position 2714. The proline at codon 905 is replaced by histidine, an amino acid with similar properties. This amino acid position is conserved. In addition, this alteration is predicted to be tolerated by in silico analysis. Based on the available evidence, the clinical significance of this variant remains unclear.

NM_004991.4(MECOM):c.2714C>A (p.Pro905His)

Gene: MECOM (MDS1 and EVI1 complex locus; minus strand). Cytogenetic location: 3q26.2.
Variant type: single nucleotide variant.
Coding change: c.2714C>A on transcript NM_004991.4 (MANE Select); coding-DNA position 2714, C replaced by A.
Protein change: p.Pro905His; replaces proline 905 with histidine.
Molecular consequence: missense variant.
Genome position (GRCh38, 1-based): chr3:169,102,117, G>T on the plus strand (C>A on the coding strand, the complement: MECOM is on the minus strand). VCF-style: chr3-169102117-G-T. GRCh37 (hg19) VCF-style: chr3-168819905-G-T.
Other names: c.2345C>A, p.Pro782His (NM_001105077.4); c.2150C>A, p.Pro717His (NM_001105078.4, NM_001205194.2, NM_001366469.2 and 1 more transcripts); c.2126C>A, p.Pro709His (NM_001163999.2, NM_001366470.2); c.2123C>A, p.Pro708His (NM_001164000.2, NM_001366471.2, NM_001366472.2); c.2687C>A, p.Pro896His (NM_001366466.2); c.2153C>A, p.Pro718His (NM_001366467.2, NM_001366468.2); c.1715C>A, p.Pro572His (NM_001366473.2); c.1151C>A, p.Pro384His (NM_001366474.2); short protein forms P709H, P782H, P896H, P708H, P717H, P905H, P384H, P572H.
Identifiers: ClinVar variation 3394333 (VCV003394333.1).